The following is an entry in ClinVar:

NM_016333.4(SRRM2):c.924G>A (p.Ala308=)

Gene: SRRM2 (serine/arginine repetitive matrix 2; plus strand). Cytogenetic location: 16p13.3.
Variant type: single nucleotide variant.
Coding change: c.924G>A on transcript NM_016333.4 (MANE Select); coding-DNA position 924, G replaced by A.
Protein change: p.Ala308=; no amino-acid change (alanine 308 retained).
Molecular consequence: synonymous variant.
Genome position (GRCh38, 1-based): chr16:2,760,391, G>A. VCF-style: chr16-2760391-G-A. GRCh37 (hg19) VCF-style: chr16-2810392-G-A.
Identifiers: ClinVar variation 2646066 (VCV002646066.25), dbSNP rs143168046, ClinGen allele CA7847073.

ClinVar aggregate classification (germline): Likely benign. Review status: criteria provided, multiple submitters, no conflicts (2 of 4 stars). 2 submissions from 2 submitters: Likely benign (2). Last evaluated 2024-11-04.

Allele frequency attached by ClinVar (database versions not stated): ExAC 0.00002; gnomAD 0.00002; ESP Exome Variant Server 0.00008.
gnomAD v4.1: 44 of 1,614,032 alleles (0.0027%); highest among the groups gnomAD compares: East Asian, 0.011%; no homozygotes.

Submissions (2):

Blueprint Genetics
Classification: Likely benign. Last evaluated: 2024-11-04. Review status: criteria provided, single submitter. Criteria: ACMG Guidelines, 2015. Collection method: clinical testing. Allele origin: germline.

CeGaT Center for Human Genetics Tuebingen
Classification: Likely benign. Last evaluated: 2023-03-01. Review status: criteria provided, single submitter. Criteria: CeGaT Center For Human Genetics Tuebingen Variant Classification Criteria Version 2. Collection method: clinical testing. Allele origin: germline. Affected: yes. Observed: 1 variant allele.
Comment: SRRM2: BP4, BP7